The following is an entry in ClinVar:

ClinVar aggregate classification (germline): Likely benign (1 of 4 stars; one submission).

Allele frequency attached by ClinVar (database versions not stated): gnomAD 0.00001; ExAC 0.00002; TOPMed 0.00002; ESP Exome Variant Server 0.00009.

Submission:

CeGaT Center for Human Genetics Tuebingen
Classification: Likely benign. Last evaluated: 2022-11-01. Review status: criteria provided, single submitter. Criteria: CeGaT Center For Human Genetics Tuebingen Variant Classification Criteria Version 2. Collection method: clinical testing. Allele origin: germline. Affected: yes. Observed: 1 variant allele.
Comment: SMC1A: BS2

NM_006306.4(SMC1A):c.-10C>T

Gene: SMC1A (structural maintenance of chromosomes 1A; minus strand). Cytogenetic location: Xp11.22.
Variant type: single nucleotide variant.
Coding change: c.-10C>T on transcript NM_006306.4 (MANE Select); 10 bases upstream of the start codon, C replaced by T.
Molecular consequence: 5 prime UTR variant.
Genome position (GRCh38, 1-based): chrX:53,422,610, G>A on the plus strand (C>T on the coding strand, the complement: SMC1A is on the minus strand). VCF-style: chrX-53422610-G-A. GRCh37 (hg19) VCF-style: chrX-53449559-G-A.
Other names: c.-222C>T (NM_001281463.1).
Identifiers: ClinVar variation 2660610 (VCV002660610.24), dbSNP rs376875807, ClinGen allele CA10420762.